The following is an entry in ClinVar:

NM_006059.4(LAMC3):c.2801G>A (p.Gly934Glu)

Gene: LAMC3 (laminin subunit gamma 3; plus strand). Cytogenetic location: 9q34.12.
Variant type: single nucleotide variant.
Coding change: c.2801G>A on transcript NM_006059.4 (MANE Select); coding-DNA position 2801, G replaced by A.
Protein change: p.Gly934Glu; replaces glycine 934 with glutamic acid.
Molecular consequence: missense variant.
Genome position (GRCh38, 1-based): chr9:131,068,961, G>A. VCF-style: chr9-131068961-G-A. GRCh37 (hg19) VCF-style: chr9-133944348-G-A.
Other names: short protein forms G934E.
Identifiers: ClinVar variation 2181405 (VCV002181405.4), dbSNP rs1053457961, ClinGen allele CA200664993.

ClinVar aggregate classification (germline): Uncertain significance (1 of 4 stars; one submission).

gnomAD v4.1: 5 of 1,614,102 alleles (0.00031%); highest among the groups gnomAD compares: Admixed American, 0.0033%; no homozygotes.

Submission:

Labcorp Genetics (formerly Invitae), Labcorp
Classification: Uncertain significance. Last evaluated: 2023-11-12. Review status: criteria provided, single submitter. Criteria: Invitae Variant Classification Sherloc (09022015). Collection method: clinical testing. Allele origin: germline.
Comment: This sequence change replaces glycine, which is neutral and non-polar, with glutamic acid, which is acidic and polar, at codon 934 of the LAMC3 protein (p.Gly934Glu). This variant is not present in population databases (gnomAD no frequency). This variant has not been reported in the literature in individuals affected with LAMC3-related conditions. ClinVar contains an entry for this variant (Variation ID: 2181405). An algorithm developed to predict the effect of missense changes on protein structure and function (PolyPhen-2) suggests that this variant is likely to be disruptive. In summary, the available evidence is currently insufficient to determine the role of this variant in disease. Therefore, it has been classified as a Variant of Uncertain Significance.